The following is an entry in ClinVar:

NM_001351132.2(PEX5):c.464C>G (p.Ser155Cys)

Gene: PEX5 (peroxisomal biogenesis factor 5; plus strand). Cytogenetic location: 12p13.31.
Variant type: single nucleotide variant.
Coding change: c.464C>G on transcript NM_001351132.2 (MANE Select); coding-DNA position 464, C replaced by G.
Protein change: p.Ser155Cys; replaces serine 155 with cysteine.
Molecular consequence: missense variant.
Genome position (GRCh38, 1-based): chr12:7,199,026, C>G. VCF-style: chr12-7199026-C-G. GRCh37 (hg19) VCF-style: chr12-7351622-C-G.
Other names: c.464C>G, p.Ser155Cys (NM_000319.5, NM_001131024.2, NM_001131025.2 and 19 more transcripts); c.509C>G, p.Ser170Cys (NM_001131023.2, NM_001351135.3, NM_001351138.2); short protein forms S170C, S155C.
Identifiers: ClinVar variation 1483861 (VCV001483861.6), dbSNP rs1943231620, ClinGen allele CA383717250.

ClinVar aggregate classification (germline): Uncertain significance. Review status: criteria provided, multiple submitters, no conflicts (2 of 4 stars). 2 submissions from 2 submitters: Uncertain significance (2). Last evaluated 2022-05-20.

Conditions:
Peroxisome biogenesis disorder 2B (PBD2B). Identifiers: Orphanet 44, MedGen C3550234, MONDO:0008736, OMIM 202370.

Allele frequency attached by ClinVar (database versions not stated): gnomAD exomes below 0.00001; TOPMed below 0.00001.
gnomAD v4.1: 1 of 1,603,142 alleles (0.000062%); highest among the groups gnomAD compares: Non-Finnish European, 0.000085%; no homozygotes.

Submissions (2):

Blueprint Genetics
Classification: Uncertain significance. Last evaluated: 2022-05-20. Review status: criteria provided, single submitter. Criteria: ACMG Guidelines, 2015. Collection method: clinical testing. Allele origin: germline.

Labcorp Genetics (formerly Invitae), Labcorp
Classification: Uncertain significance for Peroxisome biogenesis disorder 2B. Last evaluated: 2021-08-27. Review status: criteria provided, single submitter. Criteria: Invitae Variant Classification Sherloc (09022015). Collection method: clinical testing. Allele origin: germline.
Comment: This sequence change replaces serine with cysteine at codon 155 of the PEX5 protein (p.Ser155Cys). The serine residue is moderately conserved and there is a moderate physicochemical difference between serine and cysteine. This variant is not present in population databases (ExAC no frequency). This variant has not been reported in the literature in individuals affected with PEX5-related conditions. Algorithms developed to predict the effect of missense changes on protein structure and function are either unavailable or do not agree on the potential impact of this missense change (SIFT: "Tolerated"; PolyPhen-2: "Possibly Damaging"; Align-GVGD: "Class C0"). In summary, the available evidence is currently insufficient to determine the role of this variant in disease. Therefore, it has been classified as a Variant of Uncertain Significance.